The following is an entry in ClinVar:

NM_016932.5(SIX2):c.659G>T (p.Gly220Val)

Gene: SIX2 (SIX homeobox 2; minus strand). Cytogenetic location: 2p21.
Variant type: single nucleotide variant.
Coding change: c.659G>T on transcript NM_016932.5 (MANE Select); coding-DNA position 659, G replaced by T.
Protein change: p.Gly220Val; replaces glycine 220 with valine.
Molecular consequence: missense variant.
Genome position (GRCh38, 1-based): chr2:45,006,387, C>A on the plus strand (G>T on the coding strand, the complement: SIX2 is on the minus strand). VCF-style: chr2-45006387-C-A. GRCh37 (hg19) VCF-style: chr2-45233526-C-A.
Other names: c.659G>T (NM_016932.4); short protein forms G220V.
Identifiers: ClinVar variation 2071511 (VCV002071511.19), dbSNP rs368309754, ClinGen allele CA1642504.
Genomic context (GRCh38, chr2:45,006,387, plus strand): 5'-AGCCCAGGGGGCGGCGGGCTGAGGAGCAGTGCGGGGCTGGATGATGAGTGGTCTGGCGTC[C>A]CCGATGGAGTCTTCTCATCCTCCGAGCTGCCTAACACCGACTTGCCGCTGCCATTCAGCG-3'
Protein context (NP_058628.3, residues 210-230): GSSEDEKTPS[Gly220Val]TPDHSSSSPA

ClinVar aggregate classification (germline): Uncertain significance. Review status: criteria provided, multiple submitters, no conflicts (2 of 4 stars). 4 submissions from 4 submitters: Uncertain significance (4). Last evaluated 2025-12-03.

Conditions:
SIX2-related disorder. Also called: SIX2-related condition.

Allele frequency attached by ClinVar (database versions not stated): gnomAD 0.00007; ESP Exome Variant Server 0.00008.
gnomAD v4.1: 129 of 1,614,088 alleles (0.008%); highest among the groups gnomAD compares: Non-Finnish European, 0.0097%; no homozygotes.

Submissions (4):

Labcorp Genetics (formerly Invitae), Labcorp
Classification: Uncertain significance. Last evaluated: 2025-12-03. Review status: criteria provided, single submitter. Criteria: Invitae Variant Classification Sherloc (09022015). Collection method: clinical testing. Allele origin: germline.
Comment: This sequence change replaces glycine, which is neutral and non-polar, with valine, which is neutral and non-polar, at codon 220 of the SIX2 protein (p.Gly220Val). This variant is present in population databases (rs368309754, gnomAD 0.01%). This variant has not been reported in the literature in individuals affected with SIX2-related conditions. ClinVar contains an entry for this variant (Variation ID: 2071511). An algorithm developed to predict the effect of missense changes on protein structure and function (PolyPhen-2) suggests that this variant is likely to be disruptive. In summary, the available evidence is currently insufficient to determine the role of this variant in disease. Therefore, it has been classified as a Variant of Uncertain Significance.

PreventionGenetics, part of Exact Sciences
Classification: Uncertain significance for SIX2-related condition. Last evaluated: 2025-06-25. Review status: criteria provided, single submitter. Criteria: ACMG Guidelines, 2015. Collection method: clinical testing. Allele origin: germline.
Comment: The SIX2 c.659G>T variant is predicted to result in the amino acid substitution p.Gly220Val. To our knowledge, this variant has not been reported in the literature. This variant is reported in 0.010% of alleles in individuals of European (Non-Finnish) descent in gnomAD. At this time, the clinical significance of this variant is uncertain due to the absence of conclusive functional and genetic evidence.

CeGaT Center for Human Genetics Tuebingen
Classification: Uncertain significance. Last evaluated: 2025-01-01. Review status: criteria provided, single submitter. Criteria: CeGaT Center For Human Genetics Tuebingen Variant Classification Criteria Version 2. Collection method: clinical testing. Allele origin: germline. Affected: yes. Observed: 1 variant allele.
Comment: SIX2: PP3

Ambry Genetics
Classification: Uncertain significance. Last evaluated: 2024-12-14. Review status: criteria provided, single submitter. Criteria: Ambry Variant Classification Scheme 2023. Collection method: clinical testing. Allele origin: germline.